The following is an entry in ClinVar:

ClinVar aggregate classification (germline): Uncertain significance (1 of 4 stars; one submission).

Conditions:
Cystic fibrosis (CF). Also called: MUCOVISCIDOSIS. Identifiers: Orphanet 586, MedGen C0010674, MONDO:0009061, OMIM 219700. Disease mechanism: loss of function.

Submission:

Ambry Genetics
Classification: Uncertain significance for Cystic fibrosis. Last evaluated: 2024-07-25. Review status: criteria provided, single submitter. Criteria: Ambry Variant Classification Scheme 2023. Collection method: clinical testing. Allele origin: germline.
Comment: The 6T variant, located in intron 9 of the CFTR gene, is an alteration within the poly-thymidine tract. Typically the poly-T tract consists of 5, 7, or 9 thymidine repeats. The efficiency of exon 10 splicing consistently decreases with shorter polythymidine tracts, resulting in a lower than normal level of fulllength CFTR protein; the effect of 5T on exon 10 splicing is also influenced by the adjacent TG tract, which usually consists of 11, 12, or 13 TG repeats (Sosnay PR et al. Pediatr. Clin. North Am., 2016 08;63:585-98). The (TG)13-6T variant has been identified in trans with a pathogenic CFTR mutation in males with congenital bilateral absence of the vas deferens (CBAVD) (Dayanga&ccedil; D et al. Hum. Reprod., 2004 May;19:1094-100; Viel M et al. Eur. J. Hum. Genet., 2005 Feb;13:136-8); however, the clinical contribution of this variant to the development of CFTR-related disorders is uncertain. Based on available evidence to date, the clinical significance of this alteration remains unclear.

Literature cited by the submitters: PubMed 15070876; PubMed 15562283; PubMed 22191729; PubMed 27469177.

NM_000492.4(CFTR):c.1210-11_1210-10insGTG

Genes: CFTR (CF transmembrane conductance regulator; plus strand), CFTR-AS1 (CFTR antisense RNA 1; minus strand). Cytogenetic location: 7q31.2.
Variant type: Insertion.
Coding change: c.1210-11_1210-10insGTG on transcript NM_000492.4 (MANE Select); 11 bases into the intron before coding-DNA position 1210 through 10 bases into the intron before coding-DNA position 1210, GTG inserted.
Molecular consequence: intron variant.
Genome position: GRCh38 VCF-style: chr7-117548630-T-TGTG. GRCh37 (hg19) VCF-style: chr7-117188684-T-TGTG.
Identifiers: ClinVar variation 1750146 (VCV001750146.3), dbSNP rs551227135, ClinGen allele CA577680193.